The following is an entry in ClinVar:

ClinVar aggregate classification (germline): Uncertain significance. Review status: criteria provided, multiple submitters, no conflicts (2 of 4 stars). 2 submissions from 2 submitters: Uncertain significance (2). Last evaluated 2021-11-27.

Conditions:
X-linked severe combined immunodeficiency (SCIDX1). Also called: IMMUNODEFICIENCY 4; SCID, X-LINKED; SEVERE COMBINED IMMUNODEFICIENCY, X-LINKED, T CELL-NEGATIVE, B CELL-POSITIVE, NK CELL-NEGATIVE; T-B+ severe combined immunodeficiency due to gamma chain deficiency; X-Linked Combined Immunodeficiency Diseases. Identifiers: Orphanet 276, MedGen C6022468, MONDO:0010315, OMIM 300400. Disease mechanism: loss of function.

Submissions (2):

Labcorp Genetics (formerly Invitae), Labcorp
Classification: Uncertain significance for X-linked severe combined immunodeficiency. Last evaluated: 2021-11-27. Review status: criteria provided, single submitter. Criteria: Invitae Variant Classification Sherloc (09022015). Collection method: clinical testing. Allele origin: germline.
Comment: This sequence change replaces phenylalanine, which is neutral and non-polar, with leucine, which is neutral and non-polar, at codon 208 of the IL2RG protein (p.Phe208Leu). This variant is not present in population databases (gnomAD no frequency). This variant has not been reported in the literature in individuals affected with IL2RG-related conditions. ClinVar contains an entry for this variant (Variation ID: 1306857). Algorithms developed to predict the effect of missense changes on protein structure and function output the following: SIFT: "Deleterious"; PolyPhen-2: "Possibly Damaging"; Align-GVGD: "Class C0". The leucine amino acid residue is found in multiple mammalian species, which suggests that this missense change does not adversely affect protein function. In summary, the available evidence is currently insufficient to determine the role of this variant in disease. Therefore, it has been classified as a Variant of Uncertain Significance.

GeneDx
Classification: Uncertain significance. Last evaluated: 2019-07-17. Review status: criteria provided, single submitter. Criteria: GeneDx Variant Classification Process June 2021. Collection method: clinical testing. Allele origin: germline. Affected: yes.
Comment: Not observed in large population cohorts (Lek et al., 2016); In silico analysis, which includes protein predictors and evolutionary conservation, supports a deleterious effect; Has not been previously published as pathogenic or benign to our knowledge

NM_000206.3(IL2RG):c.622T>C (p.Phe208Leu)

Gene: IL2RG (interleukin 2 receptor subunit gamma; minus strand). Cytogenetic location: Xq13.1.
Variant type: single nucleotide variant.
Coding change: c.622T>C on transcript NM_000206.3 (MANE Select); coding-DNA position 622, T replaced by C.
Protein change: p.Phe208Leu; replaces phenylalanine 208 with leucine.
Molecular consequence: missense variant.
Genome position (GRCh38, 1-based): chrX:71,109,363, A>G on the plus strand (T>C on the coding strand, the complement: IL2RG is on the minus strand). VCF-style: chrX-71109363-A-G. GRCh37 (hg19) VCF-style: chrX-70329213-A-G.
Other names: short protein forms F208L.
Identifiers: ClinVar variation 1306857 (VCV001306857.4), dbSNP rs2147748325, ClinGen allele CA413496109.
Genomic context (GRCh38, chrX:71,109,363, plus strand): 5'-TAAAGCGGCTCCGAACACGAAACGTGTAGCGTTTCTGCCCATCCACACTAGGCAAGGAGA[A>G]CTTATGTCTATAATCCACTGATTGTTCCTTGAGGAGAAAGAGGATGAGGGAAAGTGGGTG-3'
Protein context (NP_000197.1, residues 198-218): TEQSVDYRHK[Phe208Leu]SLPSVDGQKR